The following is an entry in ClinVar:

ClinVar aggregate classification (germline): Uncertain significance. Review status: criteria provided, multiple submitters, no conflicts (2 of 4 stars). 2 submissions from 2 submitters: Uncertain significance (2). Last evaluated 2024-10-09.

Conditions:
Bloom syndrome (BLM). Also called: Bloom-Torre-Machacek syndrome. Identifiers: Orphanet 125, MedGen C0005859, MONDO:0008876, OMIM 210900.
Hereditary cancer-predisposing syndrome. Also called: Tumor predisposition; Hereditary Cancer Syndrome; Neoplastic Syndromes, Hereditary; Hereditary neoplastic syndrome. Identifiers: Orphanet 140162, MedGen C0027672, MeSH D009386, MONDO:0015356.

gnomAD v4.1: 1 of 1,613,036 alleles (0.000062%); no homozygotes.

Submissions (2):

Labcorp Genetics (formerly Invitae), Labcorp
Classification: Uncertain significance for Bloom syndrome. Last evaluated: 2024-10-09. Review status: criteria provided, single submitter. Criteria: Invitae Variant Classification Sherloc (09022015). Collection method: clinical testing. Allele origin: germline.
Comment: This sequence change replaces isoleucine, which is neutral and non-polar, with valine, which is neutral and non-polar, at codon 308 of the BLM protein (p.Ile308Val). This variant is not present in population databases (gnomAD no frequency). This variant has not been reported in the literature in individuals affected with BLM-related conditions. ClinVar contains an entry for this variant (Variation ID: 823106). Invitae Evidence Modeling of protein sequence and biophysical properties (such as structural, functional, and spatial information, amino acid conservation, physicochemical variation, residue mobility, and thermodynamic stability) indicates that this missense variant is not expected to disrupt BLM protein function with a negative predictive value of 80%. In summary, the available evidence is currently insufficient to determine the role of this variant in disease. Therefore, it has been classified as a Variant of Uncertain Significance.

Ambry Genetics
Classification: Uncertain significance for Hereditary cancer-predisposing syndrome. Last evaluated: 2024-07-09. Review status: criteria provided, single submitter. Criteria: Ambry Variant Classification Scheme 2023. Collection method: clinical testing. Allele origin: germline.
Comment: The p.I308V variant (also known as c.922A>G), located in coding exon 3 of the BLM gene, results from an A to G substitution at nucleotide position 922. The isoleucine at codon 308 is replaced by valine, an amino acid with highly similar properties. This amino acid position is not well conserved in available vertebrate species. In addition, this alteration is predicted to be tolerated by in silico analysis. Since supporting evidence is limited at this time, the clinical significance of this alteration remains unclear.

NM_000057.4(BLM):c.922A>G (p.Ile308Val)

Gene: BLM (BLM RecQ like helicase; plus strand). Cytogenetic location: 15q26.1.
Variant type: single nucleotide variant.
Coding change: c.922A>G on transcript NM_000057.4 (MANE Select); coding-DNA position 922, A replaced by G.
Protein change: p.Ile308Val; replaces isoleucine 308 with valine.
Molecular consequence: missense variant. On other transcripts: 5 prime UTR variant (1).
Genome position (GRCh38, 1-based): chr15:90,751,909, A>G. VCF-style: chr15-90751909-A-G. GRCh37 (hg19) VCF-style: chr15-91295139-A-G.
Other names: c.922A>G, p.Ile308Val (NM_001287246.2, NM_001287247.2); c.-370A>G (NM_001287248.2); short protein forms I308V.
Identifiers: ClinVar variation 823106 (VCV000823106.13), dbSNP rs1596221274, ClinGen allele CA393841888.